The following is an entry in ClinVar:

ClinVar aggregate classification (germline): Uncertain significance. Review status: criteria provided, multiple submitters, no conflicts (2 of 4 stars). 5 submissions from 5 submitters: Uncertain significance (4). 1 of the submissions does not count toward it. Last evaluated 2025-07-04.

Allele frequency attached by ClinVar (database versions not stated): 1000 Genomes Project 0.00020.
gnomAD v4.1: 21 of 1,610,298 alleles (0.0013%); highest among the groups gnomAD compares: Admixed American, 0.017%; no homozygotes.

Submissions (5):

Quest Diagnostics Nichols Institute San Juan Capistrano
Classification: Uncertain significance. Last evaluated: 2025-07-04. Review status: criteria provided, single submitter. Criteria: Quest Diagnostics criteria. Collection method: clinical testing. Allele origin: unknown.
Comment: The RECQL c.1877A>G (p.Lys626Arg) variant has been reported in the published literature in an individual with breast cancer as well as in a reportedly unaffected individual (PMID: 33471991 (2021), see also LOVD). The frequency of this variant in the general population (Genome Aggregation Database) is uninformative in the assessment of its pathogenicity. Analysis of this variant using bioinformatics tools for the prediction of the effect of amino acid changes on protein structure and function yielded predictions that this variant is benign. Based on the available information, we are unable to determine the clinical significance of this variant.

Labcorp Genetics (formerly Invitae), Labcorp
Classification: Uncertain significance. Last evaluated: 2025-06-15. Review status: criteria provided, single submitter. Criteria: Invitae Variant Classification Sherloc (09022015). Collection method: clinical testing. Allele origin: germline.
Comment: This sequence change replaces lysine, which is basic and polar, with arginine, which is basic and polar, at codon 626 of the RECQL protein (p.Lys626Arg). This variant is present in population databases (rs555780310, gnomAD 0.02%). This variant has not been reported in the literature in individuals affected with RECQL-related conditions. ClinVar contains an entry for this variant (Variation ID: 1050702). An algorithm developed to predict the effect of missense changes on protein structure and function outputs the following: PolyPhen-2: "Benign". The arginine amino acid residue is found in multiple mammalian species, which suggests that this missense change does not adversely affect protein function. In summary, the available evidence is currently insufficient to determine the role of this variant in disease. Therefore, it has been classified as a Variant of Uncertain Significance.

Ambry Genetics
Classification: Uncertain significance. Last evaluated: 2025-01-06. Review status: criteria provided, single submitter. Criteria: Ambry Variant Classification Scheme 2023. Collection method: clinical testing. Allele origin: germline.
Comment: The p.K626R variant (also known as c.1877A>G), located in coding exon 14 of the RECQL gene, results from an A to G substitution at nucleotide position 1877. The lysine at codon 626 is replaced by arginine, an amino acid with highly similar properties. This amino acid position is conserved. In addition, this alteration is predicted to be tolerated by in silico analysis. Since supporting evidence is limited at this time, the clinical significance of this alteration remains unclear.

GeneDx
Classification: Uncertain significance. Last evaluated: 2022-06-03. Review status: criteria provided, single submitter. Criteria: GeneDx Variant Classification Process June 2021. Collection method: clinical testing. Allele origin: germline. Affected: yes.
Comment: In silico analysis supports that this missense variant does not alter protein structure/function; Has not been previously published as pathogenic or benign to our knowledge

Department of Pathology and Laboratory Medicine, Sinai Health System
Classification: Uncertain significance. Review status: no assertion criteria provided. Collection method: clinical testing. Allele origin: unknown. Affected: yes. Study: The Canadian Open Genetics Repository (COGR). Not counted in ClinVar's aggregate classification.
Comment: The RECQL p.Lys626Arg variant was not identified in the literature nor was it identified in ClinVar, Cosmic or LOVD 3.0. The variant was identified in dbSNP (ID: rs555780310) and in control databases in 8 of 240596 chromosomes at a frequency of 0.000033 (Genome Aggregation Database Feb 27, 2017). The variant was observed in the following populations: Other in 1 of 5812 chromosomes (freq: 0.000172), Latino in 4 of 32480 chromosomes (freq: 0.000123) and European (non-Finnish) in 3 of 109994 chromosomes (freq: 0.000027), while the variant was not observed in the African, Ashkenazi Jewish, East Asian, European (Finnish) or South Asian populations. The p.Lys626 residue is not conserved in mammals and computational analyses (PolyPhen-2, SIFT, AlignGVGD, BLOSUM, MutationTaster) do not suggest a high likelihood of impact to the protein; however, this information is not predictive enough to rule out pathogenicity. The variant occurs outside of the splicing consensus sequence and in silico or computational prediction software programs (SpliceSiteFinder, MaxEntScan, NNSPLICE, GeneSplicer) do not predict a difference in splicing. In summary, based on the above information the clinical significance of this variant cannot be determined with certainty at this time. This variant is classified as a variant of uncertain significance.

Literature cited by the submitters: PubMed 33471991 (cited by Quest Diagnostics Nichols Institute San Juan Capistrano).

NM_002907.4(RECQL):c.1877A>G (p.Lys626Arg)

Genes: PYROXD1 (pyridine nucleotide-disulphide oxidoreductase domain 1; plus strand), RECQL (RecQ like helicase; minus strand). Cytogenetic location: 12p12.1.
Variant type: single nucleotide variant.
Coding change: c.1877A>G on transcript NM_002907.4 (MANE Select); coding-DNA position 1877, A replaced by G.
Protein change: p.Lys626Arg; replaces lysine 626 with arginine.
Molecular consequence: missense variant. On other transcripts: 3 prime UTR variant (3).
Genome position (GRCh38, 1-based): chr12:21,470,267, T>C on the plus strand (A>G on the coding strand, the complement: RECQL is on the minus strand). VCF-style: chr12-21470267-T-C. GRCh37 (hg19) VCF-style: chr12-21623201-T-C.
Other names: c.1877A>G, p.Lys626Arg (NM_032941.3); c.*1513T>C (NM_001350912.2, NM_001350913.2, NM_024854.5); short protein forms K626R.
Identifiers: ClinVar variation 1050702 (VCV001050702.11), dbSNP rs555780310, ClinGen allele CA6478593.
Genomic context (GRCh38, chr12:21,470,267, plus strand): 5'-ATTTTTCTTTTCTTAGCTCCTGTATTCTTAGAACCAGATTGCTGAAGCATGTTTGCAGCC[T>C]TCTTCTGGAAGTTGCCTGAATTTTTTTCCTCCATCTTTTTATCACCTTGTTCAGAATGAC-3'
Protein context (NP_002898.2, residues 616-636): EEKNSGNFQK[Lys626Arg]AANMLQQSGS